The following is an entry in ClinVar:

NM_001376.5(DYNC1H1):c.7473+6G>T

Gene: DYNC1H1 (dynein cytoplasmic 1 heavy chain 1; plus strand). Cytogenetic location: 14q32.31.
Variant type: single nucleotide variant.
Coding change: c.7473+6G>T on transcript NM_001376.5 (MANE Select); 6 bases into the intron after coding-DNA position 7473, G replaced by T.
Molecular consequence: intron variant.
Genome position (GRCh38, 1-based): chr14:102,016,092, G>T. VCF-style: chr14-102016092-G-T. GRCh37 (hg19) VCF-style: chr14-102482429-G-T.
Identifiers: ClinVar variation 2002465 (VCV002002465.4), dbSNP rs1277006617, ClinGen allele CA616580204.

ClinVar aggregate classification (germline): Uncertain significance (1 of 4 stars; one submission).

Conditions:
Charcot-Marie-Tooth disease axonal type 2O. Also called: CHARCOT-MARIE-TOOTH NEUROPATHY, AXONAL, TYPE 2O; CHARCOT-MARIE-TOOTH DISEASE, AXONAL, AUTOSOMAL DOMINANT, TYPE 2O; Charcot-Marie-Tooth Neuropathy Type 2O; Charcot-Marie-Tooth disease, axonal, type 20. Identifiers: Orphanet 284232, MedGen C3280220, MONDO:0013644, OMIM 614228.

Submission:

Labcorp Genetics (formerly Invitae), Labcorp
Classification: Uncertain significance for Charcot-Marie-Tooth disease axonal type 2O. Last evaluated: 2022-06-05. Review status: criteria provided, single submitter. Criteria: Invitae Variant Classification Sherloc (09022015). Collection method: clinical testing. Allele origin: germline.
Comment: This variant has not been reported in the literature in individuals affected with DYNC1H1-related conditions. In summary, the available evidence is currently insufficient to determine the role of this variant in disease. Therefore, it has been classified as a Variant of Uncertain Significance. Variants that disrupt the consensus splice site are a relatively common cause of aberrant splicing (PMID: 17576681, 9536098). Algorithms developed to predict the effect of sequence changes on RNA splicing suggest that this variant is not likely to affect RNA splicing. The frequency data for this variant in the population databases is considered unreliable, as metrics indicate poor data quality at this position in the gnomAD database. This sequence change falls in intron 36 of the DYNC1H1 gene. It does not directly change the encoded amino acid sequence of the DYNC1H1 protein. It affects a nucleotide within the consensus splice site.

Literature cited by the submitters: PubMed 17576681; PubMed 9536098.